The following is an entry in ClinVar:

GRCh37/hg19 2q23.1(chr2:148762386-148932571)x1

Genes: MBD5 (methyl-CpG binding domain protein 5; plus strand), ORC4 (origin recognition complex subunit 4; minus strand). Cytogenetic location: 2q23.1.
Variant type: copy number loss.
Change: copy number 1 (one copy instead of two) of chr2:148,762,386-148,932,571 (170.2 kb, GRCh37 coordinates, 1-based), cytogenetic band 2q23.1.
Identifiers: ClinVar variation 1340347 (VCV001340347.1).

ClinVar aggregate classification (germline): Pathogenic (0 of 4 stars; one submission).

Submission:

Quest Diagnostics Nichols Institute San Juan Capistrano
Classification: Pathogenic. Last evaluated: 2021-04-01. Review status: no assertion criteria provided. Collection method: clinical testing. Allele origin: germline.
Comment: The 2q23.1 deletion involves noncoding exons 1-2 of the MBD5 gene (OMIM 611472) and noncoding exon 1 of the ORC4 gene (OMIM 603056). Haploinsufficiency of MBD5 causes autosomal dominant intellectual disability 1 (MRD1) (OMIM 156200) (Tadros et al. Mol Genet Genomic Med. 2017 Aug 8;5(5):608-613. PMID: 28944244; Mullegama SV. Eur J Hum Genet. 2016 Aug;24(9):1235-43. PMID: 27222293; Hodge et al. Mol Psychiatry. 2014 Mar;19(3):368-79. PMID: 23587880). The spectrum of neurodevelopmental phenotypes also includes epilepsy, autistic spectrum disorder, anxiety, bipolar disorder and other psychopathology (GeneReviews [Internet]. Although the deleted interval observed in this patient involves untranslated exons of MBD5, similar deletions of noncoding exons of MBD5 have been shown to result in haploinsufficiency of MBD5 (Bonnet et al., (2013) Eur J Hum Genet 21(12):1257-1261.PMID: 23422940; Mullegama SV et al,. (2014) Eur J Hum Genet 22(1):57-63 PMID: 23632792; BMC Med Genet. 2016 Apr 26;17(1):34.PMID: 27113213; Mol Genet Genomic Med. 2017 Aug 8;5(5):608-613. PMID: 28944244).